The following is an entry in ClinVar:

NM_000318.3(PEX2):c.-13del

Gene: PEX2 (peroxisomal biogenesis factor 2; minus strand). Cytogenetic location: 8q21.13.
Variant type: Deletion.
Coding change: c.-13del on transcript NM_000318.3 (MANE Select); 13 bases upstream of the start codon, one base deleted (C; older notation c.-13delC).
Molecular consequence: 5 prime UTR variant.
Genome position (GRCh38, 1-based): chr8:76,984,191, G deleted on the plus strand (C on the coding strand, the reverse complement: PEX2 is on the minus strand); the first of 2 consecutive G bases (chr8:76,984,191-76,984,192); deleting either gives the same sequence. VCF-style (leftmost placement, unchanged base first): chr8-76984190-AG-A. GRCh37 (hg19) VCF-style: chr8-77896426-AG-A.
Other names: c.-13del (NM_001079867.2, NM_001172086.2, NM_001172087.2).
Identifiers: ClinVar variation 363819 (VCV000363819.6), dbSNP rs146402705, ClinGen allele CA4788787.
Genomic context (GRCh38, chr8:76,984,190, plus strand): 5'-TTCTTAGCACTCTGTTTGCACTCTTCGCATTCTCTTTTCTGGAAGCCATGTCTTCTCTGA[AG>A]GTCTCTAGGAAAAAATACAATTGAAGAACATTAGCAAAGAGTTGCAATCTTGTACAACCT-3'

ClinVar aggregate classification (germline): Benign (1 of 4 stars; one submission).

Submission:

Mayo Clinic Laboratories, Mayo Clinic
Classification: Benign. Last evaluated: 2023-08-07. Review status: criteria provided, single submitter. Criteria: ACMG Guidelines, 2015. Collection method: clinical testing. Allele origin: germline. Observed: 3 variant alleles.
Comment: BS1, BS2